The following is an entry in ClinVar:

NM_001134831.2(AHI1):c.58_59del (p.Leu19_Leu20insTer)

Gene: AHI1 (Abelson helper integration site 1; minus strand). Cytogenetic location: 6q23.3.
Variant type: Deletion.
Coding change: c.58_59del on transcript NM_001134831.2 (MANE Select); coding-DNA positions 58 to 59, 2 bases deleted (CT; older notation c.58_59delCT).
Protein change: p.Leu19_Leu20insTer.
Molecular consequence: nonsense.
Genome position (GRCh38, 1-based): chr6:135,490,699-135,490,700, AG deleted on the plus strand (CT on the coding strand, the reverse complement: AHI1 is on the minus strand). VCF-style (leftmost placement, unchanged base first): chr6-135490698-AAG-A. GRCh37 (hg19) VCF-style: chr6-135811836-AAG-A.
Other names: c.58_59del, p.Leu19_Leu20insTer (NM_001134830.2, NM_001134832.2, NM_001350503.2 and 2 more transcripts).
Identifiers: ClinVar variation 5004390 (VCV005004390.1).

ClinVar aggregate classification (germline): Pathogenic (1 of 4 stars; one submission).

Conditions:
Joubert syndrome 3 (JBTS3). Also called: AHI1-related Ciliopathy. Identifiers: Orphanet 220493, MedGen C1837713, MONDO:0012078, OMIM 608629.

Submission:

Myriad Genetics, Inc.
Classification: Pathogenic for Joubert syndrome 3. Last evaluated: 2026-01-13. Review status: criteria provided, single submitter. Criteria: Myriad Autosomal Dominant, Autosomal Recessive and X-Linked Classification Criteria (2023). Collection method: clinical testing. Allele origin: unknown.
Comment: NM_001134831.1(AHI1):c.58_59delCT(L20*) is a nonsense variant classified as pathogenic in the context of Joubert syndrome, AHI1-related. L20* has not been observed in cases with relevant disease. Relevant functional assessments of this variant are not available in the literature. L20* has not been observed in referenced population frequency databases. In summary, NM_001134831.1(AHI1):c.58_59delCT(L20*) is a nonsense variant in a gene where loss of function is a known mechanism of disease and is predicted to disrupt protein function. Please note: this variant was assessed in the context of healthy population screening.